The following is an entry in ClinVar:

NM_018003.4(UACA):c.2692G>A (p.Val898Ile)

Gene: UACA (uveal autoantigen with coiled-coil domains and ankyrin repeats; minus strand). Cytogenetic location: 15q23.
Variant type: single nucleotide variant.
Coding change: c.2692G>A on transcript NM_018003.4 (MANE Select); coding-DNA position 2692, G replaced by A.
Protein change: p.Val898Ile; replaces valine 898 with isoleucine.
Molecular consequence: missense variant.
Genome position (GRCh38, 1-based): chr15:70,667,992, C>T on the plus strand (G>A on the coding strand, the complement: UACA is on the minus strand). VCF-style: chr15-70667992-C-T. GRCh37 (hg19) VCF-style: chr15-70960331-C-T.
Other names: c.2653G>A, p.Val885Ile (NM_001008224.3); short protein forms V885I, V898I.
Identifiers: ClinVar variation 3040596 (VCV003040596.2), dbSNP rs190718928, ClinGen allele CA7636958.

ClinVar aggregate classification (germline): Likely benign (0 of 4 stars; one submission).

Conditions:
UACA-related disorder. Also called: UACA-related condition.

Allele frequency attached by ClinVar (database versions not stated): gnomAD exomes 0.00012; gnomAD 0.00017; TOPMed 0.00022; ExAC 0.00032; 1000 Genomes Project 30x 0.00125; 1000 Genomes Project 0.00160.
gnomAD v4.1: 203 of 1,598,368 alleles (0.013%); highest among the groups gnomAD compares: East Asian, 0.35%; no homozygotes.

Submission:

PreventionGenetics, part of Exact Sciences
Classification: Likely benign for UACA-related condition. Last evaluated: 2019-09-10. Review status: no assertion criteria provided. Collection method: clinical testing. Allele origin: germline.
Comment: This variant is classified as likely benign based on ACMG/AMP sequence variant interpretation guidelines (Richards et al. 2015 PMID: 25741868, with internal and published modifications).